The following is an entry in ClinVar:

ClinVar aggregate classification (germline): Uncertain significance. Review status: criteria provided, multiple submitters, no conflicts (2 of 4 stars). 2 submissions from 2 submitters: Uncertain significance (2). Last evaluated 2026-01-24.

Allele frequency attached by ClinVar (database versions not stated): gnomAD 0.00005; ExAC 0.00006; gnomAD exomes 0.00007; TOPMed 0.00012; 1000 Genomes Project 0.00020; 1000 Genomes Project 30x 0.00031.

Submissions (2):

Labcorp Genetics (formerly Invitae), Labcorp
Classification: Uncertain significance. Last evaluated: 2026-01-24. Review status: criteria provided, single submitter. Criteria: Invitae Variant Classification Sherloc (09022015). Collection method: clinical testing. Allele origin: germline.
Comment: This sequence change replaces valine, which is neutral and non-polar, with isoleucine, which is neutral and non-polar, at codon 135 of the OAS1 protein (p.Val135Ile). This variant is present in population databases (rs111902215, gnomAD 0.07%), and has an allele count higher than expected for a pathogenic variant. This variant has not been reported in the literature in individuals affected with OAS1-related conditions. ClinVar contains an entry for this variant (Variation ID: 1421589). An algorithm developed to predict the effect of missense changes on protein structure and function (PolyPhen-2) suggests that this variant is likely to be tolerated. In summary, the available evidence is currently insufficient to determine the role of this variant in disease. Therefore, it has been classified as a Variant of Uncertain Significance.

Ambry Genetics
Classification: Uncertain significance. Last evaluated: 2023-10-20. Review status: criteria provided, single submitter. Criteria: Ambry Variant Classification Scheme 2023. Collection method: clinical testing. Allele origin: germline.

NM_016816.4(OAS1):c.403G>A (p.Val135Ile)

Gene: OAS1 (2'-5'-oligoadenylate synthetase 1; plus strand). Cytogenetic location: 12q24.13.
Variant type: single nucleotide variant.
Coding change: c.403G>A on transcript NM_016816.4 (MANE Select); coding-DNA position 403, G replaced by A.
Protein change: p.Val135Ile; replaces valine 135 with isoleucine.
Molecular consequence: missense variant.
Genome position (GRCh38, 1-based): chr12:112,908,758, G>A. VCF-style: chr12-112908758-G-A. GRCh37 (hg19) VCF-style: chr12-113346563-G-A.
Other names: c.403G>A (NM_016816.2); c.403G>A, p.Val135Ile (NM_001032409.3, NM_001320151.2, NM_002534.4); short protein forms V135I.
Identifiers: ClinVar variation 1421589 (VCV001421589.7), dbSNP rs111902215, ClinGen allele CA6799757.